The following is an entry in ClinVar:

NM_001370259.2(MEN1):c.776T>G (p.Leu259Arg)

Gene: MEN1 (menin 1; minus strand). Cytogenetic location: 11q13.1.
Variant type: single nucleotide variant.
Coding change: c.776T>G on transcript NM_001370259.2 (MANE Select); coding-DNA position 776, T replaced by G.
Protein change: p.Leu259Arg; replaces leucine 259 with arginine.
Molecular consequence: missense variant. On other transcripts: non-coding transcript variant (4).
Genome position (GRCh38, 1-based): chr11:64,807,559, A>C on the plus strand (T>G on the coding strand, the complement: MEN1 is on the minus strand). VCF-style: chr11-64807559-A-C. GRCh37 (hg19) VCF-style: chr11-64575031-A-C.
Other names: c.791T>G, p.Leu264Arg (NM_000244.4, NM_001407145.1, NM_001407150.1 and 5 more transcripts); c.776T>G, p.Leu259Arg (NM_001370251.2, NM_001370260.2, NM_001370261.2 and 7 more transcripts); c.671T>G, p.Leu224Arg (NM_001370262.2, NM_001370263.2, NM_001407148.1 and 2 more transcripts); short protein forms L264R, L224R, L259R.
Identifiers: ClinVar variation 4709858 (VCV004709858.1).

ClinVar aggregate classification (germline): Uncertain significance (1 of 4 stars; one submission).

Conditions:
Multiple endocrine neoplasia, type 1 (MEN1). Also called: MEN I; WERMER SYNDROME; Endocrine adenomatosis multiple; MEN 1; MEA I. Identifiers: Orphanet 652, MedGen C0025267, MeSH D018761, MONDO:0007540, OMIM 131100.

Submission:

Labcorp Genetics (formerly Invitae), Labcorp
Classification: Uncertain significance for Multiple endocrine neoplasia, type 1. Last evaluated: 2025-02-04. Review status: criteria provided, single submitter. Criteria: Invitae Variant Classification Sherloc (09022015). Collection method: clinical testing. Allele origin: germline.
Comment: This sequence change replaces leucine, which is neutral and non-polar, with arginine, which is basic and polar, at codon 259 of the MEN1 protein (p.Leu259Arg). This variant is not present in population databases (gnomAD no frequency). This missense change has been observed in individual(s) with clinical features of multiple endocrine neoplasia type 1 (PMID: 15714081; internal data). Invitae Evidence Modeling of protein sequence and biophysical properties (such as structural, functional, and spatial information, amino acid conservation, physicochemical variation, residue mobility, and thermodynamic stability) indicates that this missense variant is expected to disrupt MEN1 protein function with a positive predictive value of 95%. This variant disrupts the p.Leu259 amino acid residue in MEN1. Other variant(s) that disrupt this residue have been observed in individuals with MEN1-related conditions (PMID: 18549467), which suggests that this may be a clinically significant amino acid residue. In summary, the available evidence is currently insufficient to determine the role of this variant in disease. Therefore, it has been classified as a Variant of Uncertain Significance.

Literature cited by the submitters: PubMed 15714081; PubMed 18549467.